The following is an entry in ClinVar:

NM_001042616.3(PIGY):c.1A>G (p.Met1Val)

Genes: PIGY (phosphatidylinositol glycan anchor biosynthesis class Y; minus strand), PYURF (PIGY upstream open reading frame; minus strand). Cytogenetic location: 4q22.1.
Variant type: single nucleotide variant.
Coding change: c.1A>G on transcript NM_001042616.3 (MANE Select); coding-DNA position 1, A replaced by G.
Protein change: p.Met1Val; changes the start codon (methionine 1).
Molecular consequence: missense variant, initiator codon variant. On other transcripts: 3 prime UTR variant (1).
Genome position (GRCh38, 1-based): chr4:88,521,789, T>C on the plus strand (A>G on the coding strand, the complement: PIGY is on the minus strand). VCF-style: chr4-88521789-T-C. GRCh37 (hg19) VCF-style: chr4-89442940-T-C.
Other names: c.*99A>G (NM_032906.5); short protein forms M1V.
Identifiers: ClinVar variation 1493887 (VCV001493887.7), dbSNP rs1346759522, ClinGen allele CA357641592.
Genomic context (GRCh38, chr4:88,521,789, plus strand): 5'-ACAGTCCTGCTAAAGAAACCAGTGGAATAAGAACAGTCAACGTAGGAAGAGACAGAAACA[T>C]TCTTCTCTTCCACTTATTACCTGCCACTGTGTTTTAAAAGGTATATGGTATTAAGAAAAG-3'
Protein context (NP_001036081.1, residues 1-11): [Met1Val]FLSLPTLTVL

ClinVar aggregate classification (germline): Uncertain significance (1 of 4 stars; one submission).

Allele frequency attached by ClinVar (database versions not stated): TOPMed below 0.00001; gnomAD exomes 0.00001; gnomAD 0.00002.

Submission:

Labcorp Genetics (formerly Invitae), Labcorp
Classification: Uncertain significance. Last evaluated: 2022-06-28. Review status: criteria provided, single submitter. Criteria: Invitae Variant Classification Sherloc (09022015). Collection method: clinical testing. Allele origin: germline.
Comment: This sequence change affects the initiator methionine of the PIGY mRNA. The next in-frame methionine is located at codon 63. This variant is present in population databases (no rsID available, gnomAD 0.008%). This variant has not been reported in the literature in individuals affected with PIGY-related conditions. In summary, the available evidence is currently insufficient to determine the role of this variant in disease. Therefore, it has been classified as a Variant of Uncertain Significance.